The following is an entry in ClinVar:

ClinVar aggregate classification (germline): Likely pathogenic (1 of 4 stars; one submission).

Conditions:
Propionic acidemia (PROP). Also called: GLYCINEMIA, KETOTIC; HYPERGLYCINEMIA WITH KETOACIDOSIS AND LEUKOPENIA; KETOTIC HYPERGLYCINEMIA. Identifiers: Orphanet 35, MedGen C0268579, MONDO:0011628, OMIM 606054, HP:0003571.

Submission:

Labcorp Genetics (formerly Invitae), Labcorp
Classification: Likely pathogenic for Propionic acidemia. Last evaluated: 2023-06-07. Review status: criteria provided, single submitter. Criteria: Invitae Variant Classification Sherloc (09022015). Collection method: clinical testing. Allele origin: germline.
Comment: Experimental studies have shown that this missense change affects PCCB function (PMID: 30274917). In summary, the currently available evidence indicates that the variant is pathogenic, but additional data are needed to prove that conclusively. Therefore, this variant has been classified as Likely Pathogenic. Advanced modeling of protein sequence and biophysical properties (such as structural, functional, and spatial information, amino acid conservation, physicochemical variation, residue mobility, and thermodynamic stability) performed at Invitae indicates that this missense variant is expected to disrupt PCCB protein function. ClinVar contains an entry for this variant (Variation ID: 2151979). This missense change has been observed in individual(s) with propionic acidemia (PMID: 30274917). This variant is not present in population databases (gnomAD no frequency). This sequence change replaces histidine, which is basic and polar, with tyrosine, which is neutral and polar, at codon 250 of the PCCB protein (p.His250Tyr).

Literature cited by the submitters: PubMed 30274917.

NM_000532.5(PCCB):c.748C>T (p.His250Tyr)

Gene: PCCB (propionyl-CoA carboxylase subunit beta; plus strand). Cytogenetic location: 3q22.3.
Variant type: single nucleotide variant.
Coding change: c.748C>T on transcript NM_000532.5 (MANE Select); coding-DNA position 748, C replaced by T.
Protein change: p.His250Tyr; replaces histidine 250 with tyrosine.
Molecular consequence: missense variant.
Genome position (GRCh38, 1-based): chr3:136,293,849, C>T. VCF-style: chr3-136293849-C-T. GRCh37 (hg19) VCF-style: chr3-136012691-C-T.
Other names: c.808C>T, p.His270Tyr (NM_001178014.2); short protein forms H270Y, H250Y.
Identifiers: ClinVar variation 2151979 (VCV002151979.4), dbSNP rs2529866093, ClinGen allele CA354643707.